The following is an entry in ClinVar:

NM_031475.3(ESPN):c.190G>T (p.Ala64Ser)

Gene: ESPN (espin; plus strand). Cytogenetic location: 1p36.31.
Variant type: single nucleotide variant.
Coding change: c.190G>T on transcript NM_031475.3 (MANE Select); coding-DNA position 190, G replaced by T.
Protein change: p.Ala64Ser; replaces alanine 64 with serine.
Molecular consequence: missense variant.
Genome position (GRCh38, 1-based): chr1:6,425,145, G>T. VCF-style: chr1-6425145-G-T. GRCh37 (hg19) VCF-style: chr1-6485205-G-T.
Other names: c.190G>T, p.Ala64Ser (NM_001367473.1, NM_001367474.1); short protein forms A64S.
Identifiers: ClinVar variation 1444370 (VCV001444370.8), dbSNP rs1431478556, ClinGen allele CA338083981.

ClinVar aggregate classification (germline): Uncertain significance (1 of 4 stars; one submission).

Allele frequency attached by ClinVar (database versions not stated): gnomAD exomes 0.00001; TOPMed 0.00001; gnomAD 0.00002.
gnomAD v4.1: 7 of 1,509,150 alleles (0.00046%); highest among the groups gnomAD compares: Admixed American, 0.015%; 1 homozygote.

Submission:

Labcorp Genetics (formerly Invitae), Labcorp
Classification: Uncertain significance. Last evaluated: 2021-06-20. Review status: criteria provided, single submitter. Criteria: Invitae Variant Classification Sherloc (09022015). Collection method: clinical testing. Allele origin: germline.
Comment: In summary, the available evidence is currently insufficient to determine the role of this variant in disease. Therefore, it has been classified as a Variant of Uncertain Significance. Algorithms developed to predict the effect of missense changes on protein structure and function (SIFT, PolyPhen-2, Align-GVGD) all suggest that this variant is likely to be tolerated, but these predictions have not been confirmed by published functional studies and their clinical significance is uncertain. This variant has not been reported in the literature in individuals with ESPN-related conditions. The frequency data for this variant in the population databases is considered unreliable, as metrics indicate insufficient coverage at this position in the ExAC database. This sequence change replaces alanine with serine at codon 64 of the ESPN protein (p.Ala64Ser). The alanine residue is weakly conserved and there is a moderate physicochemical difference between alanine and serine.